The following is an entry in ClinVar:

NM_006015.6(ARID1A):c.2999C>A (p.Ser1000Tyr)

Gene: ARID1A (AT-rich interaction domain 1A; plus strand). Cytogenetic location: 1p36.11.
Variant type: single nucleotide variant.
Coding change: c.2999C>A on transcript NM_006015.6 (MANE Select); coding-DNA position 2999, C replaced by A.
Protein change: p.Ser1000Tyr; replaces serine 1000 with tyrosine.
Molecular consequence: missense variant.
Genome position (GRCh38, 1-based): chr1:26,767,800, C>A. VCF-style: chr1-26767800-C-A. GRCh37 (hg19) VCF-style: chr1-27094291-C-A.
Other names: c.2999C>A, p.Ser1000Tyr (NM_139135.4); short protein forms S1000Y.
Identifiers: ClinVar variation 3654068 (VCV003654068.2).

ClinVar aggregate classification (germline): Uncertain significance (1 of 4 stars; one submission).

Submission:

Labcorp Genetics (formerly Invitae), Labcorp
Classification: Uncertain significance. Last evaluated: 2024-05-21. Review status: criteria provided, single submitter. Criteria: Invitae Variant Classification Sherloc (09022015). Collection method: clinical testing. Allele origin: germline.
Comment: This sequence change replaces serine, which is neutral and polar, with tyrosine, which is neutral and polar, at codon 1000 of the ARID1A protein (p.Ser1000Tyr). This variant is not present in population databases (gnomAD no frequency). This variant has not been reported in the literature in individuals affected with ARID1A-related conditions. Advanced modeling of protein sequence and biophysical properties (such as structural, functional, and spatial information, amino acid conservation, physicochemical variation, residue mobility, and thermodynamic stability) has been performed at Invitae for this missense variant, however the output from this modeling did not meet the statistical confidence thresholds required to predict the impact of this variant on ARID1A protein function. In summary, the available evidence is currently insufficient to determine the role of this variant in disease. Therefore, it has been classified as a Variant of Uncertain Significance.